The following is an entry in ClinVar:

NM_198060.4(NRAP):c.3079-5G>A

Gene: NRAP (nebulin related anchoring protein; minus strand). Cytogenetic location: 10q25.3.
Variant type: single nucleotide variant.
Coding change: c.3079-5G>A on transcript NM_198060.4 (MANE Select); 5 bases into the intron before coding-DNA position 3079, G replaced by A.
Molecular consequence: intron variant.
Genome position (GRCh38, 1-based): chr10:113,614,951, C>T on the plus strand (G>A on the coding strand, the complement: NRAP is on the minus strand). VCF-style: chr10-113614951-C-T. GRCh37 (hg19) VCF-style: chr10-115374710-C-T.
Other names: c.2974-5G>A (NM_006175.5); c.2971-5G>A (NM_001322945.2); c.3079-5G>A (NM_001261463.2, NM_198060.3).
Identifiers: ClinVar variation 4909653 (VCV004909653.2), dbSNP rs200956761.

ClinVar aggregate classification (germline): Likely benign. Review status: criteria provided, multiple submitters, no conflicts (2 of 4 stars). 2 submissions from 2 submitters: Likely benign (2). Last evaluated 2026-09-21.

gnomAD v4.1: 80 of 1,551,386 alleles (0.0052%); highest among the groups gnomAD compares: African/African-American, 0.085%; no homozygotes.

Submissions (2):

Molecular Diagnostic Laboratory for Inherited Cardiovascular Disease, Montreal Heart Institute
Classification: Likely benign. Last evaluated: 2026-09-21. Review status: criteria provided, single submitter. Criteria: ACMG Guidelines, 2015. Collection method: clinical testing. Allele origin: germline. Affected: no.
Comment: BS1;BP4

Blueprint Genetics
Classification: Likely benign. Last evaluated: 2024-10-31. Review status: criteria provided, single submitter. Criteria: ACMG Guidelines, 2015. Collection method: clinical testing. Allele origin: germline.